The following is an entry in ClinVar:

ClinVar aggregate classification (germline): Uncertain significance. Review status: criteria provided, multiple submitters, no conflicts (2 of 4 stars). 2 submissions from 2 submitters: Uncertain significance (2). Last evaluated 2023-02-23.

Conditions:
Hereditary cancer-predisposing syndrome. Also called: Neoplastic Syndromes, Hereditary; Hereditary Cancer Syndrome; Tumor predisposition; Hereditary neoplastic syndrome. Identifiers: Orphanet 140162, MedGen C0027672, MeSH D009386, MONDO:0015356.
Renal cell carcinoma. Identifiers: Orphanet 217071, MedGen C0007134, MeSH D002292, MONDO:0005086, HP:0005584.

Allele frequency attached by ClinVar (database versions not stated): gnomAD exomes below 0.00001.
gnomAD v4.1: 1 of 1,614,134 alleles (0.000062%); highest among the groups gnomAD compares: Non-Finnish European, 0.000085%; no homozygotes.

Submissions (2):

Labcorp Genetics (formerly Invitae), Labcorp
Classification: Uncertain significance for Renal cell carcinoma. Last evaluated: 2023-02-23. Review status: criteria provided, single submitter. Criteria: Invitae Variant Classification Sherloc (09022015). Collection method: clinical testing. Allele origin: germline.
Comment: This variant is not present in population databases (gnomAD no frequency). This sequence change replaces lysine, which is basic and polar, with threonine, which is neutral and polar, at codon 595 of the MET protein (p.Lys595Thr). This variant has not been reported in the literature in individuals affected with MET-related conditions. In summary, the available evidence is currently insufficient to determine the role of this variant in disease. Therefore, it has been classified as a Variant of Uncertain Significance. Advanced modeling of protein sequence and biophysical properties (such as structural, functional, and spatial information, amino acid conservation, physicochemical variation, residue mobility, and thermodynamic stability) performed at Invitae indicates that this missense variant is not expected to disrupt MET protein function. ClinVar contains an entry for this variant (Variation ID: 944707).

Ambry Genetics
Classification: Uncertain significance for Hereditary cancer-predisposing syndrome. Last evaluated: 2020-06-23. Review status: criteria provided, single submitter. Criteria: Ambry Variant Classification Scheme 2023. Collection method: clinical testing. Allele origin: germline.
Comment: The p.K595T variant (also known as c.1784A>C), located in coding exon 5 of the MET gene, results from an A to C substitution at nucleotide position 1784. The lysine at codon 595 is replaced by threonine, an amino acid with similar properties. This amino acid position is well conserved in available vertebrate species. In addition, the in silico prediction for this alteration is inconclusive. Since supporting evidence is limited at this time, the clinical significance of this alteration remains unclear.

NM_000245.4(MET):c.1784A>C (p.Lys595Thr)

Gene: MET (MET proto-oncogene, receptor tyrosine kinase; plus strand). Cytogenetic location: 7q31.2.
Variant type: single nucleotide variant.
Coding change: c.1784A>C on transcript NM_000245.4 (MANE Select); coding-DNA position 1784, A replaced by C.
Protein change: p.Lys595Thr; replaces lysine 595 with threonine.
Molecular consequence: missense variant.
Genome position (GRCh38, 1-based): chr7:116,755,437, A>C. VCF-style: chr7-116755437-A-C. GRCh37 (hg19) VCF-style: chr7-116395491-A-C.
Other names: c.1784A>C, p.Lys595Thr (NM_001127500.3, NM_001324401.3); c.494A>C, p.Lys165Thr (NM_001324402.2); short protein forms K595T, K165T.
Identifiers: ClinVar variation 944707 (VCV000944707.12), dbSNP rs1584939204, ClinGen allele CA368977889.